The following is an entry in ClinVar:

ClinVar aggregate classification (germline): Uncertain significance. Review status: criteria provided, multiple submitters, no conflicts (2 of 4 stars). 3 submissions from 3 submitters: Uncertain significance (3). Last evaluated 2023-02-21.

Conditions:
Hereditary cancer-predisposing syndrome. Also called: Tumor predisposition; Neoplastic Syndromes, Hereditary; Hereditary Cancer Syndrome; Hereditary neoplastic syndrome. Identifiers: Orphanet 140162, MedGen C0027672, MeSH D009386, MONDO:0015356.

Allele frequency attached by ClinVar (database versions not stated): gnomAD exomes below 0.00001.
gnomAD v4.1: 1 of 1,614,018 alleles (0.000062%); highest among the groups gnomAD compares: South Asian, 0.0011%; no homozygotes.

Submissions (3):

Women's Health and Genetics/Laboratory Corporation of America, LabCorp
Classification: Uncertain significance. Last evaluated: 2023-02-21. Review status: criteria provided, single submitter. Criteria: LabCorp Variant Classification Summary - May 2015. Collection method: clinical testing. Allele origin: germline.
Comment: Variant summary: APC c.1115A>G (p.Asn372Ser) results in a conservative amino acid change in the encoded protein sequence. Three of five in-silico tools predict a benign effect of the variant on protein function. The variant was absent in 250924 control chromosomes (gnomAD). The available data on variant occurrences in the general population are insufficient to allow any conclusion about variant significance. To our knowledge, no occurrence of c.1115A>G in individuals affected with Familial Adenomatous Polyposis and no experimental evidence demonstrating its impact on protein function have been reported. Two ClinVar submitters have assessed the variant since 2014: both classified the variant as uncertain significance. Based on the evidence outlined above, the variant was classified as uncertain significance.

Ambry Genetics
Classification: Uncertain significance for Hereditary cancer-predisposing syndrome. Last evaluated: 2022-09-18. Review status: criteria provided, single submitter. Criteria: Ambry Variant Classification Scheme 2023. Collection method: clinical testing. Allele origin: germline.
Comment: The p.N372S variant (also known as c.1115A>G), located in coding exon 9 of the APC gene, results from an A to G substitution at nucleotide position 1115. The asparagine at codon 372 is replaced by serine, an amino acid with highly similar properties. This amino acid position is conserved. In addition, in silico predictors for this gene do not accurately predict pathogenicity. Since supporting evidence is limited at this time, the clinical significance of this alteration remains unclear.

Quest Diagnostics Nichols Institute San Juan Capistrano
Classification: Uncertain significance. Last evaluated: 2018-10-16. Review status: criteria provided, single submitter. Criteria: Quest Diagnostics criteria. Collection method: clinical testing. Allele origin: germline.

NM_000038.6(APC):c.1115A>G (p.Asn372Ser)

Gene: APC (APC regulator of Wnt signaling pathway; plus strand). Cytogenetic location: 5q22.2.
Variant type: single nucleotide variant.
Coding change: c.1115A>G on transcript NM_000038.6 (MANE Select); coding-DNA position 1115, A replaced by G.
Protein change: p.Asn372Ser; replaces asparagine 372 with serine.
Molecular consequence: missense variant. On other transcripts: intron variant (4).
Genome position (GRCh38, 1-based): chr5:112,819,147, A>G. VCF-style: chr5-112819147-A-G. GRCh37 (hg19) VCF-style: chr5-112154844-A-G.
Other names: c.1115A>G, p.Asn372Ser (NM_001127510.3, NM_001354895.2, NM_001354896.2); c.1061A>G, p.Asn354Ser (NM_001127511.3); c.1145A>G, p.Asn382Ser (NM_001354897.2); c.1040A>G, p.Asn347Ser (NM_001354898.2); c.1031A>G, p.Asn344Ser (NM_001354899.2); c.938A>G, p.Asn313Ser (NM_001354900.2, NM_001354901.2); c.266A>G, p.Asn89Ser (NM_001354906.2); c.964-122A>G (NM_001354902.2); and 3 more; short protein forms N313S, N344S, N89S, N347S, N354S, N372S, N382S.
Identifiers: ClinVar variation 801026 (VCV000801026.5), dbSNP rs1580529465, ClinGen allele CA16023753.